The following is an entry in ClinVar:

NM_153717.3(EVC):c.1040C>T (p.Thr347Met)

Gene: EVC (EvC ciliary complex subunit 1; plus strand). Cytogenetic location: 4p16.2.
Variant type: single nucleotide variant.
Coding change: c.1040C>T on transcript NM_153717.3 (MANE Select); coding-DNA position 1040, C replaced by T.
Protein change: p.Thr347Met; replaces threonine 347 with methionine.
Molecular consequence: missense variant.
Genome position (GRCh38, 1-based): chr4:5,748,248, C>T. VCF-style: chr4-5748248-C-T. GRCh37 (hg19) VCF-style: chr4-5749975-C-T.
Other names: c.1040C>T, p.Thr347Met (NM_001306090.2, NM_001306092.2); short protein forms T347M.
Identifiers: ClinVar variation 498649 (VCV000498649.30), dbSNP rs34947207, ClinGen allele CA2835965.
Genomic context (GRCh38, chr4:5,748,248, plus strand): 5'-TTCTTGTGGACCAGTTTAAGTGTTCCAGCTCCAAAGCCCGACAGCTGATGATGACTCTGA[C>T]GGAAAGAATGATTGCAGCCGAAGGGCTATTGTGCGATTCTCAGGAGCTGCAGGCTCTGGT-3'
Protein context (NP_714928.1, residues 337-357): SKARQLMMTL[Thr347Met]ERMIAAEGLL

ClinVar aggregate classification (germline): Likely benign. Review status: criteria provided, multiple submitters, no conflicts (2 of 4 stars). 6 submissions from 6 submitters: Likely benign (4). 2 of the submissions do not count toward it. Last evaluated 2026-01-28.

Conditions:
EVC-related disorder. Also called: EVC-related condition; EVC-related disorders.
Ellis-van Creveld syndrome (EVC). Also called: MESOECTODERMAL DYSPLASIA; Chondroectodermal dysplasia. Identifiers: Orphanet 289, MedGen C0013903, MONDO:0009162, OMIM 225500.
Curry-Hall syndrome (WAD). Also called: WEYERS ACRODENTAL DYSOSTOSIS. Identifiers: Orphanet 952, MedGen C0457013, MONDO:0008673, OMIM 193530.

Allele frequency attached by ClinVar (database versions not stated): gnomAD exomes 0.00051; ExAC 0.00056; gnomAD 0.00127; TOPMed 0.00168; ESP Exome Variant Server 0.00185; 1000 Genomes Project 0.00200; 1000 Genomes Project 30x 0.00203.
gnomAD v4.1: 522 of 1,614,060 alleles (0.032%); highest among the groups gnomAD compares: African/African-American, 0.51%; no homozygotes.

Submissions (6):

Labcorp Genetics (formerly Invitae), Labcorp
Classification: Likely benign for Curry-Hall syndrome; Ellis-van Creveld syndrome. Last evaluated: 2026-01-28. Review status: criteria provided, single submitter. Criteria: Invitae Variant Classification Sherloc (09022015). Collection method: clinical testing. Allele origin: germline.

ARUP Laboratories, Molecular Genetics and Genomics, ARUP Laboratories
Classification: Likely benign. Last evaluated: 2025-06-20. Review status: criteria provided, single submitter. Criteria: ARUP Molecular Germline Variant Investigation Process 2024. Collection method: clinical testing. Allele origin: germline.

GeneDx
Classification: Likely benign. Last evaluated: 2020-09-04. Review status: criteria provided, single submitter. Criteria: GeneDx Variant Classification Process June 2021. Collection method: clinical testing. Allele origin: germline. Affected: yes.

Eurofins Ntd Llc (ga)
Classification: Likely benign. Last evaluated: 2016-12-02. Review status: criteria provided, single submitter. Criteria: EGL Classification Definitions 2015. Collection method: clinical testing. Allele origin: germline. Observed: 1 variant allele, 1 heterozygote.

Natera, Inc.
Classification: Likely benign for Ellis-van Creveld syndrome. Last evaluated: 2020-09-16. Review status: no assertion criteria provided. Collection method: clinical testing. Allele origin: germline. Not counted in ClinVar's aggregate classification.

PreventionGenetics, part of Exact Sciences
Classification: Likely benign for EVC-related condition. Last evaluated: 2020-06-19. Review status: no assertion criteria provided. Collection method: clinical testing. Allele origin: germline. Not counted in ClinVar's aggregate classification.
Comment: This variant is classified as likely benign based on ACMG/AMP sequence variant interpretation guidelines (Richards et al. 2015 PMID: 25741868, with internal and published modifications).